The following is an entry in ClinVar:

ClinVar aggregate classification (germline): Likely pathogenic (1 of 4 stars; one submission).

Conditions:
Joubert syndrome 23 (JBTS23). Identifiers: Orphanet 475, MedGen C4084822, MONDO:0014664, OMIM 616490.

Allele frequency attached by ClinVar (database versions not stated): TOPMed below 0.00001; gnomAD exomes 0.00003; ExAC 0.00007.
gnomAD v4.1: 15 of 1,611,818 alleles (0.00093%); highest among the groups gnomAD compares: Non-Finnish European, 0.0013%; no homozygotes.

Submission:

Klinisk genetik och genomik Research, Gothenburg University
Classification: Likely pathogenic for Joubert syndrome 23. Last evaluated: 2023-11-09. Review status: criteria provided, single submitter. Criteria: ACMG Guidelines, 2015. Collection method: research. Allele origin: germline. Affected: yes.
Comment: Syndromic bicoronal craniosynostosis. Compound heterozygous with likely pathogenic variant in the same gene.

NM_001329943.3(KIAA0586):c.887A>G (p.Tyr296Cys)

Gene: KIAA0586 (KIAA0586; plus strand). Cytogenetic location: 14q23.1.
Variant type: single nucleotide variant.
Coding change: c.887A>G on transcript NM_001329943.3 (MANE Select); coding-DNA position 887, A replaced by G.
Protein change: p.Tyr296Cys; replaces tyrosine 296 with cysteine.
Molecular consequence: missense variant.
Genome position (GRCh38, 1-based): chr14:58,448,419, A>G. VCF-style: chr14-58448419-A-G. GRCh37 (hg19) VCF-style: chr14-58915137-A-G.
Other names: c.887A>G, p.Tyr296Cys (NM_001329947.2, NM_014749.5, NM_001329944.2 and 1 more transcripts); c.632A>G, p.Tyr211Cys (NM_001364700.1, NM_001364701.2, NM_001244191.2 and 1 more transcripts); c.1046A>G, p.Tyr349Cys (NM_001244189.2); c.842A>G, p.Tyr281Cys (NM_001244190.2); c.755A>G, p.Tyr252Cys (NM_001244192.2); c.467A>G, p.Tyr156Cys (NM_001244193.2); short protein forms Y156C, Y211C, Y252C, Y281C, Y296C, Y349C.
Identifiers: ClinVar variation 2664497 (VCV002664497.1), dbSNP rs762905862, ClinGen allele CA7205505.